The following is an entry in ClinVar:

NM_207361.6(FREM2):c.6088G>C (p.Val2030Leu)

Gene: FREM2 (FRAS1 related extracellular matrix 2; plus strand). Cytogenetic location: 13q13.3.
Variant type: single nucleotide variant.
Coding change: c.6088G>C on transcript NM_207361.6 (MANE Select); coding-DNA position 6088, G replaced by C.
Protein change: p.Val2030Leu; replaces valine 2030 with leucine.
Molecular consequence: missense variant.
Genome position (GRCh38, 1-based): chr13:38,846,641, G>C. VCF-style: chr13-38846641-G-C. GRCh37 (hg19) VCF-style: chr13-39420778-G-C.
Other names: short protein forms V2030L.
Identifiers: ClinVar variation 1901857 (VCV001901857.7), dbSNP rs116046652, ClinGen allele CA6955445.

ClinVar aggregate classification (germline): Uncertain significance. Review status: criteria provided, multiple submitters, no conflicts (2 of 4 stars). 4 submissions from 4 submitters: Uncertain significance (4). Last evaluated 2025-12-17.

Conditions:
Isolated cryptophthalmia. Also called: Cryptophthalmos, unilateral or bilateral, isolated; ANKYLOBLEPHARON, SIMPLE. Identifiers: Orphanet 91396, MedGen C1852453, MONDO:0007410, OMIM 123570.
Fraser syndrome 2 (FRASRS2). Identifiers: MedGen C4540036, MONDO:0054738, OMIM 617666.
Inborn genetic diseases. Identifiers: MedGen C0950123, MeSH D030342.

Allele frequency attached by ClinVar (database versions not stated): ExAC 0.00004; ESP Exome Variant Server 0.00008; TOPMed 0.00011; gnomAD 0.00012; 1000 Genomes Project 30x 0.00016; 1000 Genomes Project 0.00020.
gnomAD v4.1: 68 of 1,613,852 alleles (0.0042%); highest among the groups gnomAD compares: African/African-American, 0.068%; no homozygotes.

Submissions (4):

Labcorp Genetics (formerly Invitae), Labcorp
Classification: Uncertain significance. Last evaluated: 2025-12-17. Review status: criteria provided, single submitter. Criteria: Invitae Variant Classification Sherloc (09022015). Collection method: clinical testing. Allele origin: germline.
Comment: This sequence change replaces valine, which is neutral and non-polar, with leucine, which is neutral and non-polar, at codon 2030 of the FREM2 protein (p.Val2030Leu). This variant is present in population databases (rs116046652, gnomAD 0.04%). This variant has not been reported in the literature in individuals affected with FREM2-related conditions. ClinVar contains an entry for this variant (Variation ID: 1901857). Invitae Evidence Modeling of protein sequence and biophysical properties (such as structural, functional, and spatial information, amino acid conservation, physicochemical variation, residue mobility, and thermodynamic stability) indicates that this missense variant is expected to disrupt FREM2 protein function with a positive predictive value of 80%. In summary, the available evidence is currently insufficient to determine the role of this variant in disease. Therefore, it has been classified as a Variant of Uncertain Significance.

Ambry Genetics
Classification: Uncertain significance for Inborn genetic diseases. Last evaluated: 2025-10-17. Review status: criteria provided, single submitter. Criteria: Ambry Variant Classification Scheme 2023. Collection method: clinical testing. Allele origin: germline.

Fulgent Genetics
Classification: Uncertain significance for Isolated cryptophthalmia; Fraser syndrome 2. Last evaluated: 2024-02-06. Review status: criteria provided, single submitter. Criteria: ACMG Guidelines, 2015. Collection method: clinical testing. Allele origin: germline.

GeneDx
Classification: Uncertain significance. Last evaluated: 2023-11-27. Review status: criteria provided, single submitter. Criteria: GeneDx Variant Classification Process June 2021. Collection method: clinical testing. Allele origin: germline. Affected: yes.
Comment: Has not been previously published as pathogenic or benign to our knowledge; In silico analysis supports that this missense variant has a deleterious effect on protein structure/function